The following is an entry in ClinVar:

ClinVar aggregate classification (germline): Likely pathogenic (1 of 4 stars; one submission).

Submission:

Athena Diagnostics
Classification: Likely pathogenic. Last evaluated: 2020-09-11. Review status: criteria provided, single submitter. Criteria: Athena Diagnostics criteria. Collection method: clinical testing. Allele origin: unknown.
Comment: This variant is expected to result in the loss of a functional protein. This variant has not been reported in large, multi-ethnic general populations.

NM_130837.3(OPA1):c.3010del (p.Asp1005fs)

Gene: OPA1 (OPA1 mitochondrial dynamin like GTPase; plus strand). Cytogenetic location: 3q29.
Variant type: Deletion.
Coding change: c.3010del on transcript NM_130837.3 (MANE Select); coding-DNA position 3010, one base deleted (C; older notation c.3010delC).
Protein change: p.Asp1005fs; shifts the reading frame from aspartic acid 1005.
Molecular consequence: frameshift variant.
Genome position (GRCh38, 1-based): chr3:193,692,089, C deleted. VCF-style (leftmost placement, unchanged base first): chr3-193692088-AC-A. GRCh37 (hg19) VCF-style: chr3-193409877-AC-A.
Other names: c.2476del, p.Asp827fs (NM_001354663.2); c.2473del, p.Asp826fs (NM_001354664.2); c.2845del, p.Asp950fs (NM_015560.3); c.2737del, p.Asp914fs (NM_130831.3); c.2791del, p.Asp932fs (NM_130832.3); c.2848del, p.Asp951fs (NM_130833.3); c.2899del, p.Asp968fs (NM_130834.3); c.2902del, p.Asp969fs (NM_130835.3); and 1 more; short protein forms D1005fs, D826fs, D827fs, D914fs, D932fs, D950fs, D951fs, D968fs.
Identifiers: ClinVar variation 994701 (VCV000994701.2), dbSNP rs1721762061, ClinGen allele CA1139655820.